The following is an entry in ClinVar:

NM_015113.4(ZZEF1):c.2538T>C (p.Ser846=)

Gene: ZZEF1 (zinc finger ZZ-type and EF-hand domain containing 1; minus strand). Cytogenetic location: 17p13.2.
Variant type: single nucleotide variant.
Coding change: c.2538T>C on transcript NM_015113.4 (MANE Select); coding-DNA position 2538, T replaced by C.
Protein change: p.Ser846=; no amino-acid change (serine 846 retained).
Molecular consequence: synonymous variant.
Genome position (GRCh38, 1-based): chr17:4,085,778, A>G on the plus strand (T>C on the coding strand, the complement: ZZEF1 is on the minus strand). VCF-style: chr17-4085778-A-G. GRCh37 (hg19) VCF-style: chr17-3989072-A-G.
Identifiers: ClinVar variation 3778596 (VCV003778596.7).
Genomic context (GRCh38, chr17:4,085,778, plus strand): 5'-GATGGCAGCCCCATTGAGAAGGGTATTCCTGACTTCTTGTTTTAGTATCTCCATGGGCAC[A>G]GAGTCTCCATCCACCTTGTCCACCACTGATAAAATGAACAATGGCATCAGCTTTCATATA-3'
Protein context (NP_055928.3, residues 836-856): CDVVDKVDGD[Ser846=]VPMEILKQEV

ClinVar aggregate classification (germline): Likely benign (1 of 4 stars; one submission).

gnomAD v4.1: 4 of 1,614,142 alleles (0.00025%); highest among the groups gnomAD compares: Non-Finnish European, 0.00034%; no homozygotes.

Submission:

CeGaT Center for Human Genetics Tuebingen
Classification: Likely benign. Last evaluated: 2025-03-01. Review status: criteria provided, single submitter. Criteria: CeGaT Center For Human Genetics Tuebingen Variant Classification Criteria Version 2. Collection method: clinical testing. Allele origin: germline. Affected: yes. Observed: 1 variant allele.
Comment: ZZEF1: BP4, BP7